The following is an entry in ClinVar:

NM_002857.4(PEX19):c.148C>A (p.Pro50Thr)

Gene: PEX19 (peroxisomal biogenesis factor 19; minus strand). Cytogenetic location: 1q23.2.
Variant type: single nucleotide variant.
Coding change: c.148C>A on transcript NM_002857.4 (MANE Select); coding-DNA position 148, C replaced by A.
Protein change: p.Pro50Thr; replaces proline 50 with threonine.
Molecular consequence: missense variant. On other transcripts: non-coding transcript variant (1).
Genome position (GRCh38, 1-based): chr1:160,283,562, G>T on the plus strand (C>A on the coding strand, the complement: PEX19 is on the minus strand). VCF-style: chr1-160283562-G-T. GRCh37 (hg19) VCF-style: chr1-160253352-G-T.
Other names: c.148C>A, p.Pro50Thr (NM_001193644.1); short protein forms P50T.
Identifiers: ClinVar variation 1500093 (VCV001500093.6), dbSNP rs1280706455, ClinGen allele CA343264570.

ClinVar aggregate classification (germline): Uncertain significance (1 of 4 stars; one submission).

Conditions:
Peroxisome biogenesis disorder 12A (Zellweger). Also called: Peroxisome biogenesis disorder 12A. Identifiers: Orphanet 912, MedGen C3554002, MONDO:0013951, OMIM 614886.

Allele frequency attached by ClinVar (database versions not stated): TOPMed below 0.00001; gnomAD 0.00001.

Submission:

Labcorp Genetics (formerly Invitae), Labcorp
Classification: Uncertain significance for Peroxisome biogenesis disorder 12A (Zellweger). Last evaluated: 2023-12-12. Review status: criteria provided, single submitter. Criteria: Invitae Variant Classification Sherloc (09022015). Collection method: clinical testing. Allele origin: germline.
Comment: This sequence change replaces proline, which is neutral and non-polar, with threonine, which is neutral and polar, at codon 50 of the PEX19 protein (p.Pro50Thr). This variant is present in population databases (no rsID available, gnomAD 0.007%). This variant has not been reported in the literature in individuals affected with PEX19-related conditions. ClinVar contains an entry for this variant (Variation ID: 1500093). Advanced modeling of protein sequence and biophysical properties (such as structural, functional, and spatial information, amino acid conservation, physicochemical variation, residue mobility, and thermodynamic stability) performed at Invitae indicates that this missense variant is not expected to disrupt PEX19 protein function with a negative predictive value of 80%. In summary, the available evidence is currently insufficient to determine the role of this variant in disease. Therefore, it has been classified as a Variant of Uncertain Significance.